The following is an entry in ClinVar:

NM_000321.3(RB1):c.1853C>G (p.Ser618Ter)

Gene: RB1 (RB transcriptional corepressor 1; plus strand). Cytogenetic location: 13q14.2.
Variant type: single nucleotide variant.
Coding change: c.1853C>G on transcript NM_000321.3 (MANE Select); coding-DNA position 1853, C replaced by G.
Protein change: p.Ser618Ter; replaces serine 618 with a stop codon.
Molecular consequence: nonsense.
Genome position (GRCh38, 1-based): chr13:48,456,242, C>G. VCF-style: chr13-48456242-C-G. GRCh37 (hg19) VCF-style: chr13-49030378-C-G.
Other names: c.1853C>G, p.Ser618Ter (NM_001407165.1); short protein forms S618*.
Identifiers: ClinVar variation 1781368 (VCV001781368.2), dbSNP rs267603840, ClinGen allele CA388165768.
Genomic context (GRCh38, chr13:48,456,242, plus strand): 5'-CTTTTCCTTTAAATATATCTAGGTATCTTTCTCCTGTAAGATCTCCAAAGAAAAAAGGTT[C>G]AACTACGCGTGTAAATTCTACTGCAAATGCAGAGACACAAGCAACCTCAGCCTTCCAGAC-3'

ClinVar aggregate classification (germline): Pathogenic (1 of 4 stars; one submission).

Conditions:
Hereditary cancer-predisposing syndrome. Also called: Neoplastic Syndromes, Hereditary; Tumor predisposition; Hereditary Cancer Syndrome; Hereditary neoplastic syndrome. Identifiers: Orphanet 140162, MedGen C0027672, MeSH D009386, MONDO:0015356.

Submission:

Ambry Genetics
Classification: Pathogenic for Hereditary cancer-predisposing syndrome. Last evaluated: 2017-06-28. Review status: criteria provided, single submitter. Criteria: Ambry Variant Classification Scheme 2023. Collection method: clinical testing. Allele origin: germline.
Comment: The p.S618* pathogenic mutation (also known as c.1853C>G), located in coding exon 19 of the RB1 gene, results from a C to G substitution at nucleotide position 1853. This changes the amino acid from a serine to a stop codon within coding exon 19. This alteration is expected to result in loss of function by premature protein truncation or nonsense-mediated mRNA decay. As such, this alteration is interpreted as a disease-causing mutation.